The following is an entry in ClinVar:

NM_004304.5(ALK):c.2615G>A (p.Gly872Asp)

Gene: ALK (ALK receptor tyrosine kinase; minus strand). Cytogenetic location: 2p23.2.
Variant type: single nucleotide variant.
Coding change: c.2615G>A on transcript NM_004304.5 (MANE Select); coding-DNA position 2615, G replaced by A.
Protein change: p.Gly872Asp; replaces glycine 872 with aspartic acid.
Molecular consequence: missense variant.
Genome position (GRCh38, 1-based): chr2:29,232,321, C>T on the plus strand (G>A on the coding strand, the complement: ALK is on the minus strand). VCF-style: chr2-29232321-C-T. GRCh37 (hg19) VCF-style: chr2-29455187-C-T.
Other names: short protein forms G872D.
Identifiers: ClinVar variation 2099863 (VCV002099863.4), dbSNP rs2465986121, ClinGen allele CA346471546.

ClinVar aggregate classification (germline): Uncertain significance (1 of 4 stars; one submission).

Conditions:
Neuroblastoma, susceptibility to, 3. Also called: ALK-Related Neuroblastic Tumor Susceptibility. Identifiers: Orphanet 635, MedGen C2751681, MONDO:0013083, OMIM 613014.

Submission:

Labcorp Genetics (formerly Invitae), Labcorp
Classification: Uncertain significance for Neuroblastoma, susceptibility to, 3. Last evaluated: 2022-02-23. Review status: criteria provided, single submitter. Criteria: Invitae Variant Classification Sherloc (09022015). Collection method: clinical testing. Allele origin: germline.
Comment: This sequence change replaces glycine, which is neutral and non-polar, with aspartic acid, which is acidic and polar, at codon 872 of the ALK protein (p.Gly872Asp). In summary, the available evidence is currently insufficient to determine the role of this variant in disease. Therefore, it has been classified as a Variant of Uncertain Significance. Algorithms developed to predict the effect of missense changes on protein structure and function (SIFT, PolyPhen-2, Align-GVGD) all suggest that this variant is likely to be disruptive. This variant has not been reported in the literature in individuals affected with ALK-related conditions. This variant is not present in population databases (gnomAD no frequency).